The following is an entry in ClinVar:

ClinVar aggregate classification (germline): Uncertain significance (1 of 4 stars; one submission).

gnomAD v4.1: 1 of 1,548,070 alleles (0.000065%); highest among the groups gnomAD compares: Non-Finnish European, 0.000088%; no homozygotes.

Submission:

Labcorp Genetics (formerly Invitae), Labcorp
Classification: Uncertain significance. Last evaluated: 2022-12-31. Review status: criteria provided, single submitter. Criteria: Invitae Variant Classification Sherloc (09022015). Collection method: clinical testing. Allele origin: germline.
Comment: Advanced modeling of protein sequence and biophysical properties (such as structural, functional, and spatial information, amino acid conservation, physicochemical variation, residue mobility, and thermodynamic stability) performed at Invitae indicates that this missense variant is not expected to disrupt GUF1 protein function. This variant has not been reported in the literature in individuals affected with GUF1-related conditions. This variant is not present in population databases (gnomAD no frequency). This sequence change replaces cysteine, which is neutral and slightly polar, with phenylalanine, which is neutral and non-polar, at codon 221 of the GUF1 protein (p.Cys221Phe). In summary, the available evidence is currently insufficient to determine the role of this variant in disease. Therefore, it has been classified as a Variant of Uncertain Significance.

NM_021927.3(GUF1):c.662G>T (p.Cys221Phe)

Gene: GUF1 (GTP binding elongation factor GUF1; plus strand). Cytogenetic location: 4p12.
Variant type: single nucleotide variant.
Coding change: c.662G>T on transcript NM_021927.3 (MANE Select); coding-DNA position 662, G replaced by T.
Protein change: p.Cys221Phe; replaces cysteine 221 with phenylalanine.
Molecular consequence: missense variant. On other transcripts: 5 prime UTR variant (2).
Genome position (GRCh38, 1-based): chr4:44,683,311, G>T. VCF-style: chr4-44683311-G-T. GRCh37 (hg19) VCF-style: chr4-44685328-G-T.
Other names: c.-311G>T (NM_001345869.2, NM_001345867.2); c.662G>T, p.Cys221Phe (NM_001345868.2); short protein forms C221F.
Identifiers: ClinVar variation 2791956 (VCV002791956.3), dbSNP rs114301959, ClinGen allele CA356762032.